The following is an entry in ClinVar:

ClinVar aggregate classification (germline): Uncertain significance (1 of 4 stars; one submission).

Submission:

GeneDx
Classification: Uncertain significance. Last evaluated: 2025-12-02. Review status: criteria provided, single submitter. Criteria: GeneDx Variant Classification Process June 2021. Collection method: clinical testing. Allele origin: germline. Affected: yes.
Comment: Has not been previously published as pathogenic or benign to our knowledge; No data available from control populations to assess the frequency of this variant; Located in a regulatory region; in the absence of functional studies, the actual effect of this sequence change is unknown

NM_001368894.2(PAX6):c.-275G>A

Genes: PAX6 (paired box 6; minus strand), LOC106014249 (PAX6 upstream regulatory region; plus strand). Cytogenetic location: 11p13.
Variant type: single nucleotide variant.
Coding change: c.-275G>A on transcript NM_001368894.2 (MANE Select); 275 bases upstream of the start codon, G replaced by A.
Molecular consequence: 5 prime UTR variant. On other transcripts: non-coding transcript variant (2), intron variant (1).
Genome position (GRCh38, 1-based): chr11:31,810,974, C>T on the plus strand (G>A on the coding strand, the complement: PAX6 is on the minus strand). VCF-style: chr11-31810974-C-T. GRCh37 (hg19) VCF-style: chr11-31832522-C-T.
Other names: c.-275G>A (NM_000280.6, NM_001127612.3, NM_001258462.3 and 25 more transcripts); c.-552G>A (NM_001368904.2); c.-1056G>A (NM_001368905.2); c.-414G>A (NM_001368909.2); c.-175G>A (NM_001368910.2); c.-134G>A (NM_001368911.2); c.-252+5G>A (NM_001368893.2).
Identifiers: ClinVar variation 1704149 (VCV001704149.4), dbSNP rs2496897523, ClinGen allele CA2580084069.